The following is an entry in ClinVar:

ClinVar aggregate classification (germline): Uncertain significance (1 of 4 stars; one submission).

Allele frequency attached by ClinVar (database versions not stated): ExAC 0.00001; TOPMed 0.00001; gnomAD 0.00002; gnomAD exomes 0.00006; ESP Exome Variant Server 0.00008.
gnomAD v4.1: 85 of 1,614,078 alleles (0.0053%); highest among the groups gnomAD compares: Non-Finnish European, 0.007%; no homozygotes.

Submission:

Labcorp Genetics (formerly Invitae), Labcorp
Classification: Uncertain significance. Last evaluated: 2022-08-21. Review status: criteria provided, single submitter. Criteria: Invitae Variant Classification Sherloc (09022015). Collection method: clinical testing. Allele origin: germline.
Comment: This sequence change falls in intron 16 of the SLC25A12 gene. It does not directly change the encoded amino acid sequence of the SLC25A12 protein. It affects a nucleotide within the consensus splice site. This variant is present in population databases (rs377004451, gnomAD 0.003%). This variant has not been reported in the literature in individuals affected with SLC25A12-related conditions. Variants that disrupt the consensus splice site are a relatively common cause of aberrant splicing (PMID: 17576681, 9536098). Algorithms developed to predict the effect of sequence changes on RNA splicing suggest that this variant is not likely to affect RNA splicing. In summary, the available evidence is currently insufficient to determine the role of this variant in disease. Therefore, it has been classified as a Variant of Uncertain Significance.

Literature cited by the submitters: PubMed 17576681; PubMed 9536098.

NM_003705.5(SLC25A12):c.1744+5G>A

Gene: SLC25A12 (solute carrier family 25 member 12; minus strand). Cytogenetic location: 2q31.1.
Variant type: single nucleotide variant.
Coding change: c.1744+5G>A on transcript NM_003705.5 (MANE Select); 5 bases into the intron after coding-DNA position 1744, G replaced by A.
Molecular consequence: intron variant.
Genome position (GRCh38, 1-based): chr2:171,787,784, C>T on the plus strand (G>A on the coding strand, the complement: SLC25A12 is on the minus strand). VCF-style: chr2-171787784-C-T. GRCh37 (hg19) VCF-style: chr2-172644294-C-T.
Identifiers: ClinVar variation 2050136 (VCV002050136.1), dbSNP rs377004451, ClinGen allele CA1966045.